The following is an entry in ClinVar:

ClinVar aggregate classification (germline): Likely benign. Review status: criteria provided, multiple submitters, no conflicts (2 of 4 stars). 3 submissions from 3 submitters: Likely benign (3). Last evaluated 2025-11-09.

Conditions:
BBS4-related disorder. Also called: BBS4-related condition.
Bardet-Biedl syndrome (BBS). Identifiers: Orphanet 110, MedGen C0752166, MONDO:0015229.

Allele frequency attached by ClinVar (database versions not stated): gnomAD 0.00002; TOPMed 0.00002.
gnomAD v4.1: 4 of 1,613,894 alleles (0.00025%); highest among the groups gnomAD compares: African/African-American, 0.004%; no homozygotes.

Submissions (3):

PreventionGenetics, part of Exact Sciences
Classification: Likely benign for BBS4-related condition. Last evaluated: 2025-11-09. Review status: criteria provided, single submitter. Criteria: ACMG Guidelines, 2015. Collection method: clinical testing. Allele origin: germline.
Comment: This variant is classified as likely benign based on ACMG/AMP sequence variant interpretation guidelines (Richards et al. 2015 PMID: 25741868, with internal and published modifications).

Labcorp Genetics (formerly Invitae), Labcorp
Classification: Likely benign for Bardet-Biedl syndrome. Last evaluated: 2024-12-05. Review status: criteria provided, single submitter. Criteria: Invitae Variant Classification Sherloc (09022015). Collection method: clinical testing. Allele origin: germline.

Blueprint Genetics
Classification: Likely benign. Last evaluated: 2020-01-29. Review status: criteria provided, single submitter. Criteria: ACMG Guidelines, 2015. Collection method: clinical testing. Allele origin: germline.

NM_033028.5(BBS4):c.744C>T (p.Thr248=)

Gene: BBS4 (Bardet-Biedl syndrome 4; plus strand). Cytogenetic location: 15q24.1.
Variant type: single nucleotide variant.
Coding change: c.744C>T on transcript NM_033028.5 (MANE Select); coding-DNA position 744, C replaced by T.
Protein change: p.Thr248=; no amino-acid change (threonine 248 retained).
Molecular consequence: synonymous variant. On other transcripts: non-coding transcript variant (2).
Genome position (GRCh38, 1-based): chr15:72,731,337, C>T. VCF-style: chr15-72731337-C-T. GRCh37 (hg19) VCF-style: chr15-73023678-C-T.
Other names: c.228C>T, p.Thr76= (NM_001252678.2); c.675C>T, p.Thr225= (NM_001320665.2); c.744C>T (NM_033028.4).
Identifiers: ClinVar variation 2806897 (VCV002806897.5), dbSNP rs1009638961, ClinGen allele CA272645490.